The following is an entry in ClinVar:

NM_006361.6(HOXB13):c.95del (p.Pro32fs)

Gene: HOXB13 (homeobox B13; minus strand). Cytogenetic location: 17q21.32.
Variant type: Deletion.
Coding change: c.95del on transcript NM_006361.6 (MANE Select); coding-DNA position 95, one base deleted (C; older notation c.95delC).
Protein change: p.Pro32fs; shifts the reading frame from proline 32.
Molecular consequence: frameshift variant.
Genome position (GRCh38, 1-based): chr17:48,728,499, G deleted on the plus strand (C on the coding strand, the reverse complement: HOXB13 is on the minus strand); the first of 4 consecutive G bases (chr17:48,728,499-48,728,502); deleting any one gives the same sequence. VCF-style (leftmost placement, unchanged base first): chr17-48728498-AG-A. GRCh37 (hg19) VCF-style: chr17-46805860-AG-A.
Other names: c.95delC (NM_006361.5); short protein forms P32fs.
Identifiers: ClinVar variation 690983 (VCV000690983.8), dbSNP rs1597935131, ClinGen allele CA915950491.
Genomic context (GRCh38, chr17:48,728,498, plus strand): 5'-ATCCAAGGGGGCATAGTTGACAGCAGGCATCAGCGTAGGCGCCGCTGGGTGGCTGGTCAG[AG>A]GGGAGTGGGCGACCAGATTCCGCCCCCCTCCCGCTCCCAGCAAGCCTTCGATATCCTTGG-3'

ClinVar aggregate classification (germline): Uncertain significance. Review status: criteria provided, multiple submitters, no conflicts (2 of 4 stars). 3 submissions from 3 submitters: Uncertain significance (2). 1 of the submissions does not count toward it. Last evaluated 2026-01-08.

Conditions:
Prostate cancer, hereditary, 1 (HPC1). Identifiers: Orphanet 1331, MedGen C4722327, MONDO:0011098, OMIM 601518.
Hereditary cancer-predisposing syndrome. Also called: Neoplastic Syndromes, Hereditary; Tumor predisposition; Hereditary neoplastic syndrome; Hereditary Cancer Syndrome. Identifiers: Orphanet 140162, MedGen C0027672, MeSH D009386, MONDO:0015356.

Submissions (3):

Labcorp Genetics (formerly Invitae), Labcorp
Classification: Uncertain significance. Last evaluated: 2026-01-08. Review status: criteria provided, single submitter. Criteria: Invitae Variant Classification Sherloc (09022015). Collection method: clinical testing. Allele origin: germline.
Comment: This sequence change creates a premature translational stop signal (p.Pro32Leufs*2) in the HOXB13 gene. It is expected to result in an absent or disrupted protein product. However, the current clinical and genetic evidence is not sufficient to establish whether loss-of-function variants in HOXB13 cause disease. This variant is not present in population databases (gnomAD no frequency). This variant has not been reported in the literature in individuals affected with HOXB13-related conditions. ClinVar contains an entry for this variant (Variation ID: 690983). In summary, the available evidence is currently insufficient to determine the role of this variant in disease. Therefore, it has been classified as a Variant of Uncertain Significance.

Ambry Genetics
Classification: Uncertain significance for Hereditary cancer-predisposing syndrome. Last evaluated: 2019-09-16. Review status: criteria provided, single submitter. Criteria: Ambry Variant Classification Scheme 2023. Collection method: clinical testing. Allele origin: germline.
Comment: The c.95delC variant, located in coding exon 1 of the HOXB13 gene, results from a deletion of one nucleotide at nucleotide position 95, causing a translational frameshift with a predicted alternate stop codon (p.P32Lfs*2). This alteration is expected to result in premature protein truncation or nonsense-mediated mRNA decay. However, loss of function of HOXB13 has not been clearly established as a mechanism of disease. Since supporting evidence is limited at this time, the clinical significance of this alteration remains unclear.

Laboratory of Virology, Microbiology,  Quality and Medical Biotechnologies, Faculty of Sciences and Techniques - Mohammedia, Hassan II University of Casablanca
Classification: Uncertain significance for Prostate cancer, hereditary, 1. Review status: no assertion criteria provided. Collection method: clinical testing. Allele origin: somatic. Affected: yes. Not counted in ClinVar's aggregate classification.